The following is an entry in ClinVar:

NM_020366.4(RPGRIP1):c.1340A>G (p.Asn447Ser)

Gene: RPGRIP1 (RPGR interacting protein 1; plus strand). Cytogenetic location: 14q11.2.
Variant type: single nucleotide variant.
Coding change: c.1340A>G on transcript NM_020366.4 (MANE Select); coding-DNA position 1340, A replaced by G.
Protein change: p.Asn447Ser; replaces asparagine 447 with serine.
Molecular consequence: missense variant.
Genome position (GRCh38, 1-based): chr14:21,320,050, A>G. VCF-style: chr14-21320050-A-G. GRCh37 (hg19) VCF-style: chr14-21788209-A-G.
Other names: c.266A>G, p.Asn89Ser (NM_001377523.1, NM_001377948.1, NM_001377949.1 and 1 more transcripts); short protein forms N447S, N89S.
Identifiers: ClinVar variation 1471455 (VCV001471455.8), dbSNP rs1342579243, ClinGen allele CA388864647.

ClinVar aggregate classification (germline): Uncertain significance (1 of 4 stars; one submission).

Conditions:
Cone-rod dystrophy 13 (CORD13). Identifiers: Orphanet 1872, MedGen C2750720, MONDO:0011987, OMIM 608194.
Leber congenital amaurosis 6 (LCA6). Identifiers: Orphanet 65, MedGen C1854260, MONDO:0013446, OMIM 613826.

Allele frequency attached by ClinVar (database versions not stated): TOPMed below 0.00001; gnomAD 0.00001; gnomAD exomes 0.00001.

Submission:

Labcorp Genetics (formerly Invitae), Labcorp
Classification: Uncertain significance for Leber congenital amaurosis 6; Cone-rod dystrophy 13. Last evaluated: 2024-10-25. Review status: criteria provided, single submitter. Criteria: Invitae Variant Classification Sherloc (09022015). Collection method: clinical testing. Allele origin: germline.
Comment: This sequence change replaces asparagine, which is neutral and polar, with serine, which is neutral and polar, at codon 447 of the RPGRIP1 protein (p.Asn447Ser). This variant is not present in population databases (gnomAD no frequency). This variant has not been reported in the literature in individuals affected with RPGRIP1-related conditions. ClinVar contains an entry for this variant (Variation ID: 1471455). Invitae Evidence Modeling of protein sequence and biophysical properties (such as structural, functional, and spatial information, amino acid conservation, physicochemical variation, residue mobility, and thermodynamic stability) indicates that this missense variant is not expected to disrupt RPGRIP1 protein function with a negative predictive value of 80%. In summary, the available evidence is currently insufficient to determine the role of this variant in disease. Therefore, it has been classified as a Variant of Uncertain Significance.